The following is an entry in ClinVar:

ClinVar aggregate classification (germline): Uncertain significance (1 of 4 stars; one submission).

Conditions:
Mucopolysaccharidosis, MPS-III-B (MPS3B). Also called: N-ACETYL-ALPHA-D-GLUCOSAMINIDASE DEFICIENCY; NAGLU DEFICIENCY; SANFILIPPO SYNDROME B; MPS III B; MPS IIIB (Sanfilippo Syndrome Type B); MUCOPOLYSACCHARIDOSIS, TYPE IIIB. Identifiers: Orphanet 79270, MedGen C0086648, MONDO:0009656, OMIM 252920.
Charcot-Marie-Tooth disease axonal type 2V. Also called: CHARCOT-MARIE-TOOTH NEUROPATHY, TYPE 2V; CHARCOT-MARIE-TOOTH DISEASE, AXONAL, AUTOSOMAL DOMINANT, TYPE 2V. Identifiers: Orphanet 447964, MedGen C5569050, MONDO:0014665, OMIM 616491.

Allele frequency attached by ClinVar (database versions not stated): gnomAD 0.00001; gnomAD exomes below 0.00001; ExAC 0.00001.

Submission:

Labcorp Genetics (formerly Invitae), Labcorp
Classification: Uncertain significance for Charcot-Marie-Tooth disease axonal type 2V; Mucopolysaccharidosis, MPS-III-B. Last evaluated: 2022-05-27. Review status: criteria provided, single submitter. Criteria: Invitae Variant Classification Sherloc (09022015). Collection method: clinical testing. Allele origin: germline.
Comment: This sequence change replaces proline, which is neutral and non-polar, with leucine, which is neutral and non-polar, at codon 488 of the NAGLU protein (p.Pro488Leu). The frequency data for this variant in the population databases is considered unreliable, as metrics indicate poor data quality at this position in the gnomAD database. This variant has not been reported in the literature in individuals affected with NAGLU-related conditions. Advanced modeling of protein sequence and biophysical properties (such as structural, functional, and spatial information, amino acid conservation, physicochemical variation, residue mobility, and thermodynamic stability) performed at Invitae indicates that this missense variant is not expected to disrupt NAGLU protein function. In summary, the available evidence is currently insufficient to determine the role of this variant in disease. Therefore, it has been classified as a Variant of Uncertain Significance.

NM_000263.4(NAGLU):c.1463C>T (p.Pro488Leu)

Gene: NAGLU (N-acetyl-alpha-glucosaminidase; plus strand). Cytogenetic location: 17q21.2.
Variant type: single nucleotide variant.
Coding change: c.1463C>T on transcript NM_000263.4 (MANE Select); coding-DNA position 1463, C replaced by T.
Protein change: p.Pro488Leu; replaces proline 488 with leucine.
Molecular consequence: missense variant.
Genome position (GRCh38, 1-based): chr17:42,543,469, C>T. VCF-style: chr17-42543469-C-T. GRCh37 (hg19) VCF-style: chr17-40695487-C-T.
Other names: short protein forms P488L.
Identifiers: ClinVar variation 1437516 (VCV001437516.5), dbSNP rs748902330, ClinGen allele CA8577028.
Genomic context (GRCh38, chr17:42,543,469, plus strand): 5'-TGCCAGATTTGGCAGCCTGGGTGACCAGCTTTGCCGCCCGGCGGTATGGGGTCTCCCACC[C>T]GGACGCAGGGGCAGCGTGGAGGCTACTGCTCCGGAGTGTGTACAACTGCTCCGGGGAGGC-3'
Protein context (NP_000254.2, residues 478-498): FAARRYGVSH[Pro488Leu]DAGAAWRLLL